The following is an entry in ClinVar:

ClinVar aggregate classification (germline): Uncertain significance (1 of 4 stars; one submission).

Conditions:
Charcot-Marie-Tooth disease type 2E (CMT2E). Also called: CHARCOT-MARIE-TOOTH DISEASE, AXONAL, TYPE 2E; CHARCOT-MARIE-TOOTH NEUROPATHY, TYPE 2E. Identifiers: Orphanet 99939, MedGen C1843225, MONDO:0011894, OMIM 607684.

Submission:

Labcorp Genetics (formerly Invitae), Labcorp
Classification: Uncertain significance for Charcot-Marie-Tooth disease type 2E. Last evaluated: 2017-11-02. Review status: criteria provided, single submitter. Criteria: Invitae Variant Classification Sherloc (09022015). Collection method: clinical testing. Allele origin: germline.
Comment: This sequence change replaces glycine with alanine at codon 198 of the NEFL protein (p.Gly198Ala). The glycine residue is highly conserved and there is a small physicochemical difference between glycine and alanine. This variant is not present in population databases (ExAC no frequency). This variant has not been reported in the literature in individuals with NEFL-related disease. Algorithms developed to predict the effect of missense changes on protein structure and function (SIFT, PolyPhen-2, Align-GVGD) all suggest that this variant is likely to be tolerated, but these predictions have not been confirmed by published functional studies and their clinical significance is uncertain. In summary, the available evidence is currently insufficient to determine the role of this variant in disease. Therefore, it has been classified as a Variant of Uncertain Significance.

NM_006158.5(NEFL):c.593G>C (p.Gly198Ala)

Gene: NEFL (neurofilament light chain; minus strand). Cytogenetic location: 8p21.2.
Variant type: single nucleotide variant.
Coding change: c.593G>C on transcript NM_006158.5 (MANE Select); coding-DNA position 593, G replaced by C.
Protein change: p.Gly198Ala; replaces glycine 198 with alanine.
Molecular consequence: missense variant.
Genome position (GRCh38, 1-based): chr8:24,955,923, C>G on the plus strand (G>C on the coding strand, the complement: NEFL is on the minus strand). VCF-style: chr8-24955923-C-G. GRCh37 (hg19) VCF-style: chr8-24813437-C-G.
Other names: short protein forms G198A.
Identifiers: ClinVar variation 533510 (VCV000533510.4), dbSNP rs1554497605, ClinGen allele CA370622058.